The following is an entry in ClinVar:

NM_003136.4(SRP54):c.1171G>A (p.Asp391Asn)

Gene: SRP54 (signal recognition particle 54; plus strand). Cytogenetic location: 14q13.2.
Variant type: single nucleotide variant.
Coding change: c.1171G>A on transcript NM_003136.4 (MANE Select); coding-DNA position 1171, G replaced by A.
Protein change: p.Asp391Asn; replaces aspartic acid 391 with asparagine.
Molecular consequence: missense variant. On other transcripts: intron variant (1).
Genome position (GRCh38, 1-based): chr14:35,022,924, G>A. VCF-style: chr14-35022924-G-A. GRCh37 (hg19) VCF-style: chr14-35492130-G-A.
Other names: c.1024G>A, p.Asp342Asn (NM_001146282.2); c.1171G>A, p.Asp391Asn (NM_001440813.1); c.1156+3850G>A (NM_001411017.1); short protein forms D342N, D391N.
Identifiers: ClinVar variation 4731220 (VCV004731220.1).

ClinVar aggregate classification (germline): Uncertain significance (1 of 4 stars; one submission).

Submission:

Labcorp Genetics (formerly Invitae), Labcorp
Classification: Uncertain significance. Last evaluated: 2025-12-08. Review status: criteria provided, single submitter. Criteria: Invitae Variant Classification Sherloc (09022015). Collection method: clinical testing. Allele origin: germline.
Comment: This sequence change replaces aspartic acid, which is acidic and polar, with asparagine, which is neutral and polar, at codon 391 of the SRP54 protein (p.Asp391Asn). This variant is not present in population databases (gnomAD no frequency). This variant has not been reported in the literature in individuals affected with SRP54-related conditions. An algorithm developed to predict the effect of missense changes on protein structure and function (PolyPhen-2) suggests that this variant is likely to be tolerated. In summary, the available evidence is currently insufficient to determine the role of this variant in disease. Therefore, it has been classified as a Variant of Uncertain Significance.